The following is an entry in ClinVar:

ClinVar aggregate classification (germline): Uncertain significance (1 of 4 stars; one submission).

Conditions:
Dyskeratosis congenita. Identifiers: Orphanet 1775, MedGen C0265965, MONDO:0015780.

Allele frequency attached by ClinVar (database versions not stated): gnomAD exomes below 0.00001.
gnomAD v4.1: 1 of 1,614,176 alleles (0.000062%); highest among the groups gnomAD compares: Non-Finnish European, 0.000085%; no homozygotes.

Submission:

Labcorp Genetics (formerly Invitae), Labcorp
Classification: Uncertain significance for Dyskeratosis congenita. Last evaluated: 2023-08-17. Review status: criteria provided, single submitter. Criteria: Invitae Variant Classification Sherloc (09022015). Collection method: clinical testing. Allele origin: germline.
Comment: This variant has not been reported in the literature in individuals affected with TINF2-related conditions. This variant is not present in population databases (gnomAD no frequency). This sequence change replaces glutamic acid, which is acidic and polar, with glutamine, which is neutral and polar, at codon 202 of the TINF2 protein (p.Glu202Gln). This variant also falls at the last nucleotide of exon 5, which is part of the consensus splice site for this exon. An algorithm developed to predict the effect of missense changes on protein structure and function (PolyPhen-2) suggests that this variant is likely to be disruptive. In summary, the available evidence is currently insufficient to determine the role of this variant in disease. Therefore, it has been classified as a Variant of Uncertain Significance. Variants that disrupt the consensus splice site are a relatively common cause of aberrant splicing (PMID: 17576681, 9536098). Studies have shown that this missense change is associated with altered splicing resulting in unknown protein product impact (PMID: 33258446).

Literature cited by the submitters: PubMed 17576681; PubMed 9536098; PubMed 33258446.

NM_001099274.3(TINF2):c.604G>C (p.Glu202Gln)

Gene: TINF2 (TERF1 interacting nuclear factor 2; minus strand). Cytogenetic location: 14q12.
Variant type: single nucleotide variant.
Coding change: c.604G>C on transcript NM_001099274.3 (MANE Select); coding-DNA position 604, G replaced by C.
Protein change: p.Glu202Gln; replaces glutamic acid 202 with glutamine.
Molecular consequence: missense variant.
Genome position (GRCh38, 1-based): chr14:24,241,020, C>G on the plus strand (G>C on the coding strand, the complement: TINF2 is on the minus strand). VCF-style: chr14-24241020-C-G. GRCh37 (hg19) VCF-style: chr14-24710226-C-G.
Other names: c.499G>C, p.Glu167Gln (NM_001363668.2); c.604G>C, p.Glu202Gln (NM_012461.3); short protein forms E167Q, E202Q.
Identifiers: ClinVar variation 2904025 (VCV002904025.3), dbSNP rs2502459458, ClinGen allele CA389230159.